The following is an entry in ClinVar:

ClinVar aggregate classification (germline): Benign (1 of 4 stars; one submission).

Conditions:
Loeys-Dietz syndrome 2 (LDS2). Also called: TGFBR2-Related Loeys-Dietz Syndrome; AORTIC ANEURYSM, FAMILIAL THORACIC 3; MARFAN SYNDROME, TYPE II; Marfan Syndrome type 2; Marfan like connective tissue disorder; MFS 2. Identifiers: Orphanet 284973, Orphanet 558, MedGen C2674574, MONDO:0012427, OMIM 610168.

Allele frequency attached by ClinVar (database versions not stated): gnomAD exomes 0.01125; gnomAD 0.04563 and 0.04903; 1000 Genomes Project 0.04812; 1000 Genomes Project 30x 0.05231; TOPMed 0.05265.
gnomAD v4.1: 7,881 of 233,252 alleles (3.4%); highest among the groups gnomAD compares: African/African-American, 15%; 558 homozygotes.

Submission:

Illumina Laboratory Services, Illumina
Classification: Benign for Loeys-Dietz syndrome 2. Last evaluated: 2018-01-13. Review status: criteria provided, single submitter. Criteria: ICSL Variant Classification Criteria 13 December 2019. Collection method: clinical testing. Allele origin: germline.
Comment: This variant was observed in the ICSL laboratory as part of a predisposition screen in an ostensibly healthy population. It had not been previously curated by ICSL or reported in the Human Gene Mutation Database (HGMD: prior to June 1st, 2018), and was therefore a candidate for classification through an automated scoring system. Utilizing variant allele frequency, disease prevalence and penetrance estimates, and inheritance mode, an automated score was calculated to assess if this variant is too frequent to cause the disease. Based on the score and internal cut-off values, a variant classified as benign is not then subjected to further curation. The score for this variant resulted in a classification of benign for this disease.

NM_003242.6(TGFBR2):c.*1521G>A

Gene: TGFBR2 (transforming growth factor beta receptor 2; plus strand). Cytogenetic location: 3p24.1.
Variant type: single nucleotide variant.
Coding change: c.*1521G>A on transcript NM_003242.6 (MANE Select); 1521 bases downstream of the stop codon, G replaced by A.
Molecular consequence: 3 prime UTR variant.
Genome position (GRCh38, 1-based): chr3:30,693,120, G>A. VCF-style: chr3-30693120-G-A. GRCh37 (hg19) VCF-style: chr3-30734612-G-A.
Other names: c.*1521G>A (NM_001024847.3, NM_001407126.1, NM_001407127.1 and 11 more transcripts).
Identifiers: ClinVar variation 344698 (VCV000344698.7), dbSNP rs11466533, ClinGen allele CA10615569.
Genomic context (GRCh38, chr3:30,693,120, plus strand): 5'-GATTTTGACTACCTTATCTGGTGTTAAGATTTGAAGTTGGCCTTTTATTGGACTAAAGGG[G>A]AACTCCTTTAAGGGTCTCAGTTAGCCCAAGTTTCTTTTGCTTATATGTTAATAGTTTTAC-3'